The following is an entry in ClinVar:

NM_001105247.2(ARMC5):c.1864+168C>T

Gene: ARMC5 (armadillo repeat containing 5; plus strand). Cytogenetic location: 16p11.2.
Variant type: single nucleotide variant.
Coding change: c.1864+168C>T on transcript NM_001105247.2 (MANE Select); 168 bases into the intron after coding-DNA position 1864, C replaced by T.
Molecular consequence: intron variant. On other transcripts: missense variant (1).
Genome position (GRCh38, 1-based): chr16:31,465,055, C>T. VCF-style: chr16-31465055-C-T. GRCh37 (hg19) VCF-style: chr16-31476376-C-T.
Other names: c.2032C>T, p.Pro678Ser (NM_024742.2); c.2149+168C>T (NM_001288767.2); c.1960+168C>T (NM_001301820.1); short protein forms P678S.
Identifiers: ClinVar variation 2635030 (VCV002635030.1), dbSNP rs201191448, ClinGen allele CA280642071.

ClinVar aggregate classification (germline): Uncertain significance (1 of 4 stars; one submission).

Conditions:
ARMC5-related disorder. Also called: ARMC5-related condition.

gnomAD v4.1: 7 of 1,613,886 alleles (0.00043%); highest among the groups gnomAD compares: Admixed American, 0.012%; no homozygotes.

Submission:

PreventionGenetics, part of Exact Sciences
Classification: Uncertain significance for ARMC5-related condition. Last evaluated: 2023-08-28. Review status: criteria provided, single submitter. Criteria: ACMG Guidelines, 2015. Collection method: clinical testing. Allele origin: germline.
Comment: The ARMC5 c.2032C>T variant is predicted to result in the amino acid substitution p.Pro678Ser. To our knowledge, this variant has not been reported in the literature. This variant is reported in 0.017% of alleles in individuals of Latino descent in gnomAD. Although we suspect that this variant may be benign, at this time, the clinical significance of this variant is uncertain due to the absence of conclusive functional and genetic evidence.